The following is an entry in ClinVar:

NM_000199.5(SGSH):c.1092C>G (p.Ser364Arg)

Gene: SGSH (N-sulfoglucosamine sulfohydrolase; minus strand). Cytogenetic location: 17q25.3.
Variant type: single nucleotide variant.
Coding change: c.1092C>G on transcript NM_000199.5 (MANE Select); coding-DNA position 1092, C replaced by G.
Protein change: p.Ser364Arg; replaces serine 364 with arginine.
Molecular consequence: missense variant. On other transcripts: 3 prime UTR variant (2), non-coding transcript variant (1).
Genome position (GRCh38, 1-based): chr17:80,210,869, G>C on the plus strand (C>G on the coding strand, the complement: SGSH is on the minus strand). VCF-style: chr17-80210869-G-C. GRCh37 (hg19) VCF-style: chr17-78184668-G-C.
Other names: c.*179C>G (NM_001352921.3); c.*142C>G (NM_001352922.2); short protein forms S364R.
Identifiers: ClinVar variation 3339485 (VCV003339485.1).

ClinVar aggregate classification (germline): Uncertain significance (1 of 4 stars; one submission).

Submission:

Women's Health and Genetics/Laboratory Corporation of America, LabCorp
Classification: Uncertain significance. Last evaluated: 2024-07-16. Review status: criteria provided, single submitter. Criteria: LabCorp Variant Classification Summary - May 2015. Collection method: clinical testing. Allele origin: germline.
Comment: Variant summary: SGSH c.1092C>G (p.Ser364Arg) results in a non-conservative amino acid change in the encoded protein sequence. Four of five in-silico tools predict a damaging effect of the variant on protein function. The frequency data for this variant in gnomAD is considered unreliable, as metrics indicate poor data quality at this position. c.1092C>G has been reported in the literature in the compound heterozygous state in at least one individual affected with Mucopolysaccharidosis Type IIIA (Sanfilippo Syndrome A) (e.g. Bunge_1997). These data do not allow any conclusion about variant significance. To our knowledge, no experimental evidence demonstrating an impact on protein function has been reported. The following publication have been ascertained in the context of this evaluation (PMID: 9401012). No submitters have cited clinical-significance assessments for this variant to ClinVar. Based on the evidence outlined above, the variant was classified as uncertain significance.

Literature cited by the submitters: PubMed 9401012.